The following is an entry in ClinVar:

NM_004415.4(DSP):c.2597G>T (p.Arg866Leu)

Gene: DSP (desmoplakin; plus strand). Cytogenetic location: 6p24.3.
Variant type: single nucleotide variant.
Coding change: c.2597G>T on transcript NM_004415.4 (MANE Select); coding-DNA position 2597, G replaced by T.
Protein change: p.Arg866Leu; replaces arginine 866 with leucine.
Molecular consequence: missense variant.
Genome position (GRCh38, 1-based): chr6:7,575,455, G>T. VCF-style: chr6-7575455-G-T. GRCh37 (hg19) VCF-style: chr6-7575688-G-T.
Other names: c.2597G>T, p.Arg866Leu (NM_001008844.3, NM_001319034.2); short protein forms R866L.
Identifiers: ClinVar variation 1978659 (VCV001978659.5), dbSNP rs764965132, ClinGen allele CA034101.

ClinVar aggregate classification (germline): Conflicting classifications of pathogenicity. Review status: criteria provided, conflicting classifications (1 of 4 stars). 2 submissions from 2 submitters: Uncertain significance (1); Likely benign (1). Last evaluated 2023-08-23.

Conditions:
Arrhythmogenic right ventricular dysplasia 8 (ARVD8). Also called: ARRHYTHMOGENIC RIGHT VENTRICULAR DYSPLASIA, FAMILIAL, 8; Arrhythmogenic Right Ventricular Dysplasia/Cardiomyopathy 8; ARRHYTHMOGENIC RIGHT VENTRICULAR CARDIOMYOPATHY 8. Identifiers: MedGen C1843896, MONDO:0011831, OMIM 607450.
Arrhythmogenic cardiomyopathy with wooly hair and keratoderma. Also called: Carvajal syndrome; Dilated cardiomyopathy with woolly hair and keratoderma; PALMOPLANTAR KERATODERMA WITH LEFT VENTRICULAR CARDIOMYOPATHY AND WOOLLY HAIR; Arrhythmogenic cardiomyopathy with woolly hair and keratoderma. Identifiers: Orphanet 65282, MedGen C1854063, MONDO:0011581, OMIM 605676.

gnomAD v4.1: 8 of 1,614,166 alleles (0.0005%); highest among the groups gnomAD compares: South Asian, 0.0077%; no homozygotes.

Submissions (2):

All of Us Research Program, National Institutes of Health
Classification: Uncertain significance for Arrhythmogenic cardiomyopathy with wooly hair and keratoderma. Last evaluated: 2023-08-23. Review status: criteria provided, single submitter. Criteria: ACMG Guidelines, 2015. Collection method: clinical testing. Allele origin: germline. Inheritance: Autosomal dominant inheritance. Observed: 1 variant allele, 1 heterozygote.
Comment: This missense variant replaces arginine with leucine at codon 866 of the DSP protein. Computational prediction is inconclusive regarding the impact of this variant on protein structure and function (internally defined REVEL score threshold 0.5 < inconclusive < 0.7, PMID: 27666373). To our knowledge, functional studies have not been reported for this variant. This variant has not been reported in individuals affected with DSP-related disorders in the literature. This variant has been identified in 2/251406 chromosomes in the general population by the Genome Aggregation Database (gnomAD). The available evidence is insufficient to determine the role of this variant in disease conclusively. Therefore, this variant is classified as a Variant of Uncertain Significance.

This study involves interpretation of variants in research participants for the purpose of population health screening. Participant phenotype was not available at the time of variant classification. Additional details can be found in publication PMID: 35346344, PMCID: PMC8962531

Labcorp Genetics (formerly Invitae), Labcorp
Classification: Likely benign for Arrhythmogenic cardiomyopathy with wooly hair and keratoderma; Arrhythmogenic right ventricular dysplasia 8. Last evaluated: 2023-05-22. Review status: criteria provided, single submitter. Criteria: Invitae Variant Classification Sherloc (09022015). Collection method: clinical testing. Allele origin: germline.